The following is an entry in ClinVar:

NM_015046.7(SETX):c.5673del (p.Ala1892fs)

Gene: SETX (senataxin; minus strand). Cytogenetic location: 9q34.13.
Variant type: Deletion.
Coding change: c.5673del on transcript NM_015046.7 (MANE Select); coding-DNA position 5673, one base deleted (A; older notation c.5673delA).
Protein change: p.Ala1892fs; shifts the reading frame from alanine 1892.
Molecular consequence: frameshift variant.
Genome position (GRCh38, 1-based): chr9:132,298,188, T deleted on the plus strand (A on the coding strand, the reverse complement: SETX is on the minus strand); the first of 3 consecutive T bases (chr9:132,298,188-132,298,190); deleting any one gives the same sequence. VCF-style (leftmost placement, unchanged base first): chr9-132298187-CT-C. GRCh37 (hg19) VCF-style: chr9-135173574-CT-C.
Other names: c.5673del, p.Ala1892fs (NM_001351527.2, NM_001351528.2); short protein forms A1892fs.
Identifiers: ClinVar variation 994760 (VCV000994760.1), dbSNP rs1844781818, ClinGen allele CA1139661303.
Genomic context (GRCh38, chr9:132,298,187, plus strand): 5'-TAGGGTTTGGATTCAGAACAGCTCTAGCCAGTTGGTTCCGACTACCCAACAGAGACATGG[CT>C]TTCAACTTCCTTTGTGTAGTTACCAGAGAACTGATTACAATACAATTCACAAGTTCGTTT-3'

ClinVar aggregate classification (germline): Likely pathogenic (1 of 4 stars; one submission).

Submission:

Athena Diagnostics
Classification: Likely pathogenic. Last evaluated: 2019-12-16. Review status: criteria provided, single submitter. Criteria: Athena Diagnostics Criteria. Collection method: clinical testing. Allele origin: unknown.
Comment: The variant results in a shift of the reading frame, and is therefore predicted to result in the loss of a functional protein. Not found in the total gnomAD dataset, and the data is high quality.